The following is an entry in ClinVar:

ClinVar aggregate classification (germline): Uncertain significance (1 of 4 stars; one submission).

Conditions:
Hereditary cancer-predisposing syndrome. Also called: Neoplastic Syndromes, Hereditary; Tumor predisposition; Hereditary Cancer Syndrome; Hereditary neoplastic syndrome. Identifiers: Orphanet 140162, MedGen C0027672, MeSH D009386, MONDO:0015356.

Submission:

Ambry Genetics
Classification: Uncertain significance for Hereditary cancer-predisposing syndrome. Last evaluated: 2022-03-25. Review status: criteria provided, single submitter. Criteria: Ambry Variant Classification Scheme 2023. Collection method: clinical testing. Allele origin: germline.
Comment: The p.E539D variant (also known as c.1617G>C), located in coding exon 12 of the PTCH1 gene, results from a G to C substitution at nucleotide position 1617. The glutamic acid at codon 539 is replaced by aspartic acid, an amino acid with highly similar properties. This amino acid position is conserved. In addition, the in silico prediction for this alteration is inconclusive. Since supporting evidence is limited at this time, the clinical significance of this alteration remains unclear.

NM_000264.5(PTCH1):c.1617G>C (p.Glu539Asp)

Gene: PTCH1 (patched 1; minus strand). Cytogenetic location: 9q22.32.
Variant type: single nucleotide variant.
Coding change: c.1617G>C on transcript NM_000264.5 (MANE Select); coding-DNA position 1617, G replaced by C.
Protein change: p.Glu539Asp; replaces glutamic acid 539 with aspartic acid.
Molecular consequence: missense variant. On other transcripts: non-coding transcript variant (1).
Genome position (GRCh38, 1-based): chr9:95,476,145, C>G on the plus strand (G>C on the coding strand, the complement: PTCH1 is on the minus strand). VCF-style: chr9-95476145-C-G. GRCh37 (hg19) VCF-style: chr9-98238427-C-G.
Other names: c.1419G>C, p.Glu473Asp (NM_001083602.3); c.1614G>C, p.Glu538Asp (NM_001083603.3); c.1164G>C, p.Glu388Asp (NM_001083604.3, NM_001083605.3, NM_001083606.3 and 1 more transcripts); c.1461G>C, p.Glu487Asp (NM_001354918.2); short protein forms E487D, E539D, E388D, E538D, E473D.
Identifiers: ClinVar variation 1776516 (VCV001776516.2), dbSNP rs1221665069, ClinGen allele CA374118097.